The following is an entry in ClinVar:

ClinVar aggregate classification (germline): Conflicting classifications of pathogenicity. Review status: criteria provided, conflicting classifications (1 of 4 stars). 10 submissions from 10 submitters: Uncertain significance (1); Likely benign (8). 1 of the submissions does not count toward it. Last evaluated 2026-01-14.

Conditions:
TTN-related disorder. Also called: TTN-related disorders; TTN-related condition; TTN-related disease.
Cardiovascular phenotype. Identifiers: MedGen CN230736.
Autosomal recessive limb-girdle muscular dystrophy type 2J (LGMDR10). Also called: MUSCULAR DYSTROPHY, LIMB-GIRDLE, AUTOSOMAL RECESSIVE 10; Limb-girdle muscular dystrophy, type 2J. Identifiers: Orphanet 140922, MedGen C1837342, MONDO:0012127, OMIM 608807.
Dilated cardiomyopathy 1G (CMD1G). Identifiers: Orphanet 154, MedGen C1858763, MONDO:0011400, OMIM 604145.
Cardiomyopathy (CMYO). Also called: Cardiomyopathies. Identifiers: Orphanet 167848, MedGen C0878544, MONDO:0004994, HP:0001638. Inheritance: Various modes of inheritance.

Allele frequency attached by ClinVar (database versions not stated): gnomAD 0.00005 and 0.00006; TOPMed 0.00006; ESP Exome Variant Server 0.00008; 1000 Genomes Project 30x 0.00016; 1000 Genomes Project 0.00020.
gnomAD v4.1: 210 of 1,613,884 alleles (0.013%); highest among the groups gnomAD compares: Non-Finnish European, 0.016%; no homozygotes.

Submissions (10):

Labcorp Genetics (formerly Invitae), Labcorp
Classification: Likely benign for Dilated cardiomyopathy 1G; Autosomal recessive limb-girdle muscular dystrophy type 2J. Last evaluated: 2026-01-14. Review status: criteria provided, single submitter. Criteria: Invitae Variant Classification Sherloc (09022015). Collection method: clinical testing. Allele origin: germline.

Women's Health and Genetics/Laboratory Corporation of America, LabCorp
Classification: Likely benign. Last evaluated: 2025-11-04. Review status: criteria provided, single submitter. Criteria: LabCorp Variant Classification Summary - May 2015. Collection method: clinical testing. Allele origin: germline.

Blueprint Genetics
Classification: Likely benign. Last evaluated: 2024-02-27. Review status: criteria provided, single submitter. Criteria: ACMG Guidelines, 2015. Collection method: clinical testing. Allele origin: germline.

CeGaT Center for Human Genetics Tuebingen
Classification: Likely benign. Last evaluated: 2023-11-01. Review status: criteria provided, single submitter. Criteria: CeGaT Center For Human Genetics Tuebingen Variant Classification Criteria Version 2. Collection method: clinical testing. Allele origin: germline. Affected: yes. Observed: 1 variant allele.
Comment: TTN: BP4, BP7

GeneDx
Classification: Likely benign. Last evaluated: 2021-04-27. Review status: criteria provided, single submitter. Criteria: GeneDx Variant Classification Process June 2021. Collection method: clinical testing. Allele origin: germline. Affected: yes.

CHEO Genetics Diagnostic Laboratory, Children's Hospital of Eastern Ontario
Classification: Likely benign for Cardiomyopathy. Last evaluated: 2020-12-31. Review status: criteria provided, single submitter. Criteria: ACMG Guidelines, 2015. Collection method: clinical testing. Allele origin: germline.

ARUP Laboratories, Molecular Genetics and Genomics, ARUP Laboratories
Classification: Likely benign. Last evaluated: 2020-11-20. Review status: criteria provided, single submitter. Criteria: ARUP Molecular Germline Variant Investigation Process 2021. Collection method: clinical testing. Allele origin: germline.

Ambry Genetics
Classification: Likely benign for Cardiovascular phenotype. Last evaluated: 2020-03-18. Review status: criteria provided, single submitter. Criteria: Ambry Variant Classification Scheme 2023. Collection method: clinical testing. Allele origin: germline.

Eurofins Ntd Llc (ga)
Classification: Uncertain significance. Last evaluated: 2016-03-18. Review status: criteria provided, single submitter. Criteria: EGL Classification Definitions 2015. Collection method: clinical testing. Allele origin: germline. Observed: 1 variant allele, 1 heterozygote.

PreventionGenetics, part of Exact Sciences
Classification: Likely benign for TTN-related condition. Last evaluated: 2021-12-02. Review status: no assertion criteria provided. Collection method: clinical testing. Allele origin: germline. Not counted in ClinVar's aggregate classification.
Comment: This variant is classified as likely benign based on ACMG/AMP sequence variant interpretation guidelines (Richards et al. 2015 PMID: 25741868, with internal and published modifications).

NM_001267550.2(TTN):c.105090C>T (p.Asp35030=)

Genes: TTN-AS1 (TTN antisense RNA 1; plus strand), TTN (titin; minus strand). Cytogenetic location: 2q31.2.
Variant type: single nucleotide variant.
Coding change: c.105090C>T on transcript NM_001267550.2 (MANE Select); coding-DNA position 105090, C replaced by T.
Protein change: p.Asp35030=; no amino-acid change (aspartic acid 35030 retained).
Molecular consequence: synonymous variant.
Genome position (GRCh38, 1-based): chr2:178,531,525, G>A on the plus strand (C>T on the coding strand, the complement: TTN is on the minus strand). VCF-style: chr2-178531525-G-A. GRCh37 (hg19) VCF-style: chr2-179396252-G-A.
Other names: c.100167C>T, p.Asp33389= (NM_001256850.1); c.77895C>T, p.Asp25965= (NM_003319.4); c.97386C>T, p.Asp32462= (NM_133378.4); c.78270C>T, p.Asp26090= (NM_133432.3); c.78471C>T, p.Asp26157= (NM_133437.4).
Identifiers: ClinVar variation 286918 (VCV000286918.86), dbSNP rs72629789, ClinGen allele CA1985309.
Genomic context (GRCh38, chr2:178,531,525, plus strand): 5'-TCTGGGGACCTCTTCATCTCTGCGTTGGGAAGCATAGGTGGTATAATCCCCTCCTGTCAC[G>A]TCCAACGTTGCATAGTCAGAAGCTTCGCCCTTGTAGTTGGTGCACACAGCACGGTAGGTT-3'
Protein context (NP_001254479.2, residues 35020-35040): KGEASDYATL[Asp35030=]VTGGDYTTYA